The following is an entry in ClinVar:

NM_015178.3(RHOBTB2):c.1761T>C (p.Val587=)

Gene: RHOBTB2 (Rho related BTB domain containing 2; plus strand). Cytogenetic location: 8p21.3.
Variant type: single nucleotide variant.
Coding change: c.1761T>C on transcript NM_015178.3 (MANE Select); coding-DNA position 1761, T replaced by C.
Protein change: p.Val587=; no amino-acid change (valine 587 retained).
Molecular consequence: synonymous variant.
Genome position (GRCh38, 1-based): chr8:23,010,678, T>C. VCF-style: chr8-23010678-T-C. GRCh37 (hg19) VCF-style: chr8-22868191-T-C.
Other names: c.1827T>C, p.Val609= (NM_001160036.2); c.1782T>C, p.Val594= (NM_001160037.2); c.1761T>C, p.Val587= (NM_001374791.1).
Identifiers: ClinVar variation 4873508 (VCV004873508.2).

ClinVar aggregate classification (germline): Likely benign (1 of 4 stars; one submission).

Submission:

CeGaT Center for Human Genetics Tuebingen
Classification: Likely benign. Last evaluated: 2026-05-01. Review status: criteria provided, single submitter. Criteria: CeGaT Center For Human Genetics Tuebingen Variant Classification Criteria Version 2. Collection method: clinical testing. Allele origin: germline. Affected: yes. Observed: 1 variant allele.
Comment: RHOBTB2: PM2:Supporting, BP4, BP7